The following is an entry in ClinVar:

ClinVar aggregate classification (germline): Pathogenic/Likely pathogenic. Review status: criteria provided, multiple submitters, no conflicts (2 of 4 stars). 2 submissions from 2 submitters: Pathogenic (1); Likely pathogenic (1). Last evaluated 2022-11-24.

Conditions:
WDR19-related disorder. Also called: WDR19-related disorders; WDR19-related condition. Identifiers: MedGen CN380161.
Senior-Loken syndrome 8 (SLSN8). Identifiers: Orphanet 3156, MedGen C4225376, MONDO:0014579, OMIM 616307.
Asphyxiating thoracic dystrophy 5 (SRTD5). Also called: SHORT-RIB THORACIC DYSPLASIA 5 WITHOUT POLYDACTYLY; SHORT-RIB THORACIC DYSPLASIA 5 WITH OR WITHOUT POLYDACTYLY. Identifiers: Orphanet 474, MedGen C3280598, MONDO:0013717, OMIM 614376.

Submissions (2):

Labcorp Genetics (formerly Invitae), Labcorp
Classification: Pathogenic for Senior-Loken syndrome 8; Asphyxiating thoracic dystrophy 5. Last evaluated: 2022-11-24. Review status: criteria provided, single submitter. Criteria: Invitae Variant Classification Sherloc (09022015). Collection method: clinical testing. Allele origin: germline.
Comment: This sequence change creates a premature translational stop signal (p.Gln623Glufs*10) in the WDR19 gene. It is expected to result in an absent or disrupted protein product. Loss-of-function variants in WDR19 are known to be pathogenic (PMID: 22019273, 23559409, 23683095, 26275793, 27241786, 29068549). This variant is not present in population databases (gnomAD no frequency). This variant has not been reported in the literature in individuals affected with WDR19-related conditions. For these reasons, this variant has been classified as Pathogenic.

Blueprint Genetics
Classification: Likely pathogenic for WDR19-related disorders. Last evaluated: 2018-08-06. Review status: criteria provided, single submitter. Criteria: ACMG Guidelines, 2015. Collection method: clinical testing. Allele origin: germline. Affected: yes. Observed: 1 variant allele.

Literature cited by the submitters: PubMed 22019273 (cited by Labcorp Genetics (formerly Invitae), Labcorp); PubMed 23559409 (cited by Labcorp Genetics (formerly Invitae), Labcorp); PubMed 23683095 (cited by Labcorp Genetics (formerly Invitae), Labcorp); PubMed 26275793 (cited by Labcorp Genetics (formerly Invitae), Labcorp); PubMed 27241786 (cited by Labcorp Genetics (formerly Invitae), Labcorp); PubMed 29068549 (cited by Labcorp Genetics (formerly Invitae), Labcorp).

NM_025132.4(WDR19):c.1867_1868del (p.Gln623fs)

Gene: WDR19 (WD repeat domain 19; plus strand). Cytogenetic location: 4p14.
Variant type: Microsatellite.
Coding change: c.1867_1868del on transcript NM_025132.4 (MANE Select); coding-DNA positions 1867 to 1868, 2 bases deleted (CA; older notation c.1867_1868delCA).
Protein change: p.Gln623fs; shifts the reading frame from glutamine 623.
Molecular consequence: frameshift variant.
Genome position (GRCh38, 1-based): chr4:39,228,575-39,228,576, CA deleted; deleting any 2 consecutive bases within chr4:39,228,572-39,228,576 gives the same sequence; the c. name uses the placement nearest the transcript's 3' end. VCF-style (leftmost placement, unchanged base first): chr4-39228571-AAC-A. GRCh37 (hg19) VCF-style: chr4-39230191-AAC-A.
Other names: c.1387_1388del, p.Gln463fs (NM_001317924.2); short protein forms Q463fs, Q623fs.
Identifiers: ClinVar variation 2941806 (VCV002941806.4), dbSNP rs2475187976, ClinGen allele CA2740091271.